The following is an entry in ClinVar:

NM_001166114.2(PNPLA6):c.2657C>T (p.Thr886Met)

Gene: PNPLA6 (patatin like domain 6, lysophospholipase; plus strand). Cytogenetic location: 19p13.2.
Variant type: single nucleotide variant.
Coding change: c.2657C>T on transcript NM_001166114.2 (MANE Select); coding-DNA position 2657, C replaced by T.
Protein change: p.Thr886Met; replaces threonine 886 with methionine.
Molecular consequence: missense variant.
Genome position (GRCh38, 1-based): chr19:7,554,915, C>T. VCF-style: chr19-7554915-C-T. GRCh37 (hg19) VCF-style: chr19-7619801-C-T.
Other names: c.2687C>T, p.Thr896Met (NM_001166111.2); c.2462C>T, p.Thr821Met (NM_001166112.2); c.2543C>T, p.Thr848Met (NM_001166113.1, NM_006702.5); short protein forms T821M, T848M, T896M, T886M.
Identifiers: ClinVar variation 3693859 (VCV003693859.2).

ClinVar aggregate classification (germline): Uncertain significance (1 of 4 stars; one submission).

Conditions:
Hereditary spastic paraplegia 39 (SPG39). Also called: Spastic Paraplegia Type 39 (SPG39); SPASTIC PARAPLEGIA 39, AUTOSOMAL RECESSIVE. Identifiers: Orphanet 139480, MedGen C2677586, MONDO:0012787, OMIM 612020.

gnomAD v4.1: 13 of 1,586,926 alleles (0.00082%); highest among the groups gnomAD compares: South Asian, 0.012%; no homozygotes.

Submission:

Labcorp Genetics (formerly Invitae), Labcorp
Classification: Uncertain significance for Hereditary spastic paraplegia 39. Last evaluated: 2025-01-29. Review status: criteria provided, single submitter. Criteria: Invitae Variant Classification Sherloc (09022015). Collection method: clinical testing. Allele origin: germline.
Comment: This sequence change replaces threonine, which is neutral and polar, with methionine, which is neutral and non-polar, at codon 848 of the PNPLA6 protein (p.Thr848Met). The frequency data for this variant in the population databases is considered unreliable, as metrics indicate poor data quality at this position in the gnomAD database. This variant has not been reported in the literature in individuals affected with PNPLA6-related conditions. Invitae Evidence Modeling of protein sequence and biophysical properties (such as structural, functional, and spatial information, amino acid conservation, physicochemical variation, residue mobility, and thermodynamic stability) indicates that this missense variant is not expected to disrupt PNPLA6 protein function with a negative predictive value of 80%. In summary, the available evidence is currently insufficient to determine the role of this variant in disease. Therefore, it has been classified as a Variant of Uncertain Significance.